The following is an entry in ClinVar:

ClinVar aggregate classification (germline): Uncertain significance (1 of 4 stars; one submission).

Submission:

Labcorp Genetics (formerly Invitae), Labcorp
Classification: Uncertain significance. Last evaluated: 2025-08-29. Review status: criteria provided, single submitter. Criteria: Invitae Variant Classification Sherloc (09022015). Collection method: clinical testing. Allele origin: germline.
Comment: This sequence change replaces threonine, which is neutral and polar, with alanine, which is neutral and non-polar, at codon 4 of the CYP7A1 protein (p.Thr4Ala). This variant is not present in population databases (gnomAD no frequency). This variant has not been reported in the literature in individuals affected with CYP7A1-related conditions. An algorithm developed to predict the effect of missense changes on protein structure and function (PolyPhen-2) suggests that this variant is likely to be tolerated. In summary, the available evidence is currently insufficient to determine the role of this variant in disease. Therefore, it has been classified as a Variant of Uncertain Significance.

NM_000780.4(CYP7A1):c.10A>G (p.Thr4Ala)

Genes: CYP7A1 (cytochrome P450 family 7 subfamily A member 1; minus strand), LOC110596866 (CYP7A1 5' regulatory region; plus strand). Cytogenetic location: 8q12.1.
Variant type: single nucleotide variant.
Coding change: c.10A>G on transcript NM_000780.4 (MANE Select); coding-DNA position 10, A replaced by G.
Protein change: p.Thr4Ala; replaces threonine 4 with alanine.
Molecular consequence: missense variant.
Genome position (GRCh38, 1-based): chr8:58,500,089, T>C on the plus strand (A>G on the coding strand, the complement: CYP7A1 is on the minus strand). VCF-style: chr8-58500089-T-C. GRCh37 (hg19) VCF-style: chr8-59412648-T-C.
Other names: short protein forms T4A.
Identifiers: ClinVar variation 4722886 (VCV004722886.1).